The following is an entry in ClinVar:

NM_000138.5(FBN1):c.846G>A (p.Val282=)

Gene: FBN1 (fibrillin 1; minus strand). Cytogenetic location: 15q21.1.
Variant type: single nucleotide variant.
Coding change: c.846G>A on transcript NM_000138.5 (MANE Select); coding-DNA position 846, G replaced by A.
Protein change: p.Val282=; no amino-acid change (valine 282 retained).
Molecular consequence: synonymous variant.
Genome position (GRCh38, 1-based): chr15:48,534,096, C>T on the plus strand (G>A on the coding strand, the complement: FBN1 is on the minus strand). VCF-style: chr15-48534096-C-T. GRCh37 (hg19) VCF-style: chr15-48826293-C-T.
Identifiers: ClinVar variation 925479 (VCV000925479.12), dbSNP rs2043994063, ClinGen allele CA490028646.

ClinVar aggregate classification (germline): Likely benign. Review status: criteria provided, multiple submitters, no conflicts (2 of 4 stars). 4 submissions from 4 submitters: Likely benign (4). Last evaluated 2024-09-20.

Conditions:
Familial thoracic aortic aneurysm and aortic dissection (TAAD). Also called: Thoracic aortic aneurysms and dissections. Identifiers: Orphanet 91387, MedGen C4707243, MONDO:0019625.
Marfan syndrome (MFS). Also called: Marfan syndrome, classic; Marfan syndrome type 1; Marfan's syndrome; FBN1-Related Marfan Syndrome; MARFAN SYNDROME, TYPE I. Identifiers: Orphanet 284963, Orphanet 558, MedGen C0024796, MONDO:0007947, OMIM 154700.

Allele frequency attached by ClinVar (database versions not stated): gnomAD exomes below 0.00001.
gnomAD v4.1: 3 of 1,613,332 alleles (0.00019%); highest among the groups gnomAD compares: Non-Finnish European, 0.00025%; no homozygotes.

Submissions (4):

Ambry Genetics
Classification: Likely benign for Familial thoracic aortic aneurysm and aortic dissection. Last evaluated: 2024-09-20. Review status: criteria provided, single submitter. Criteria: Ambry Variant Classification Scheme 2023. Collection method: clinical testing. Allele origin: germline.

All of Us Research Program, National Institutes of Health
Classification: Likely benign for Marfan syndrome. Last evaluated: 2023-06-26. Review status: criteria provided, single submitter. Criteria: ACMG Guidelines, 2015. Collection method: clinical testing. Allele origin: germline. Inheritance: Autosomal dominant inheritance. Observed: 1 variant allele, 1 heterozygote.
Comment: This study involves interpretation of variants in research participants for the purpose of population health screening. Participant phenotype was not available at the time of variant classification. Additional details can be found in publication PMID: 35346344, PMCID: PMC8962531

Labcorp Genetics (formerly Invitae), Labcorp
Classification: Likely benign for Marfan syndrome; Familial thoracic aortic aneurysm and aortic dissection. Last evaluated: 2023-04-22. Review status: criteria provided, single submitter. Criteria: Invitae Variant Classification Sherloc (09022015). Collection method: clinical testing. Allele origin: germline.

Color Diagnostics, LLC DBA Color Health
Classification: Likely benign for Familial thoracic aortic aneurysm and aortic dissection. Last evaluated: 2019-01-11. Review status: criteria provided, single submitter. Criteria: ACMG Guidelines, 2015. Collection method: clinical testing. Allele origin: germline.